The following is an entry in ClinVar:

NM_005045.4(RELN):c.10093G>A (p.Val3365Ile)

Genes: RELN (reelin; minus strand), SLC26A5-AS1 (SLC26A5 antisense RNA 1; plus strand). Cytogenetic location: 7q22.1.
Variant type: single nucleotide variant.
Coding change: c.10093G>A on transcript NM_005045.4 (MANE Select); coding-DNA position 10093, G replaced by A.
Protein change: p.Val3365Ile; replaces valine 3365 with isoleucine.
Molecular consequence: missense variant.
Genome position (GRCh38, 1-based): chr7:103,483,741, C>T on the plus strand (G>A on the coding strand, the complement: RELN is on the minus strand). VCF-style: chr7-103483741-C-T. GRCh37 (hg19) VCF-style: chr7-103124188-C-T.
Other names: c.10093G>A, p.Val3365Ile (NM_173054.3); short protein forms V3365I.
Identifiers: ClinVar variation 433104 (VCV000433104.48), dbSNP rs115035120, ClinGen allele CA4420054.

ClinVar aggregate classification (germline): Conflicting classifications of pathogenicity. Review status: criteria provided, conflicting classifications (1 of 4 stars). 8 submissions from 8 submitters: Uncertain significance (2); Benign (2); Likely benign (3). 1 of the submissions does not count toward it. Last evaluated 2026-01-17.

Conditions:
Norman-Roberts syndrome (LIS2). Also called: Lissencephaly 2 (Norman-Roberts type). Identifiers: Orphanet 89844, MedGen C0796089, MONDO:0009760, OMIM 257320.
Familial temporal lobe epilepsy 7. Identifiers: Orphanet 101046, MedGen C4225327, MONDO:0014639, OMIM 616436.
Self-limited epilepsy with centrotemporal spikes. Also called: Childhood epilepsy with centrotemporal spikes; Rolandic epilepsy. Identifiers: Orphanet 1945, MedGen C0376532, MONDO:0007295.

Allele frequency attached by ClinVar (database versions not stated): gnomAD 0.00018 and 0.00035; TOPMed 0.00021; ESP Exome Variant Server 0.00062; gnomAD exomes 0.00064 and 0.00085; ExAC 0.00092; 1000 Genomes Project 0.00140; 1000 Genomes Project 30x 0.00172.
gnomAD v4.1: 989 of 1,614,128 alleles (0.061%); highest among the groups gnomAD compares: South Asian, 0.51%; 9 homozygotes.

Submissions (8):

Labcorp Genetics (formerly Invitae), Labcorp
Classification: Benign for Familial temporal lobe epilepsy 7; Norman-Roberts syndrome. Last evaluated: 2026-01-17. Review status: criteria provided, single submitter. Criteria: Invitae Variant Classification Sherloc (09022015). Collection method: clinical testing. Allele origin: germline.

CeGaT Center for Human Genetics Tuebingen
Classification: Likely benign. Last evaluated: 2026-01-01. Review status: criteria provided, single submitter. Criteria: CeGaT Center For Human Genetics Tuebingen Variant Classification Criteria Version 2. Collection method: clinical testing. Allele origin: germline. Affected: yes. Observed: 4 variant alleles.
Comment: RELN: BS1

Athena Diagnostics
Classification: Benign. Last evaluated: 2021-03-16. Review status: criteria provided, single submitter. Criteria: Athena Diagnostics criteria. Collection method: clinical testing. Allele origin: unknown.

Institute of Human Genetics, University of Leipzig Medical Center
Classification: Uncertain significance for Familial temporal lobe epilepsy 7. Last evaluated: 2019-03-22. Review status: criteria provided, single submitter. Criteria: ACMG Guidelines, 2015. Collection method: clinical testing. Allele origin: germline. Affected: yes. Observed: 1 variant allele.

GeneDx
Classification: Likely benign. Last evaluated: 2018-03-23. Review status: criteria provided, single submitter. Criteria: GeneDx Variant Classification (06012015). Collection method: clinical testing. Allele origin: germline. Affected: yes.
Comment: This variant is considered likely benign or benign based on one or more of the following criteria: it is a conservative change, it occurs at a poorly conserved position in the protein, it is predicted to be benign by multiple in silico algorithms, and/or has population frequency not consistent with disease.

Illumina Laboratory Services, Illumina
Classification: Likely benign for Norman-Roberts syndrome. Last evaluated: 2018-01-13. Review status: criteria provided, single submitter. Criteria: ICSL Variant Classification Criteria 13 December 2019. Collection method: clinical testing. Allele origin: germline.
Comment: This variant was observed in the ICSL laboratory as part of a predisposition screen in an ostensibly healthy population. It had not been previously curated by ICSL or reported in the Human Gene Mutation Database (HGMD: prior to June 1st, 2018), and was therefore a candidate for classification through an automated scoring system. Utilizing variant allele frequency, disease prevalence and penetrance estimates, and inheritance mode, an automated score was calculated to assess if this variant is too frequent to cause the disease. Based on the score and internal cut-off values, a variant classified as likely benign is not then subjected to further curation. The score for this variant resulted in a classification of likely benign for this disease.

Genetic Services Laboratory, University of Chicago
Classification: Uncertain significance. Last evaluated: 2016-07-08. Review status: criteria provided, single submitter. Criteria: ACMG Guidelines, 2015. Collection method: clinical testing. Allele origin: germline. Affected: no.

Bioinformatics Core, Luxembourg Center for Systems Biomedicine
Classification: Pathogenic for Self-limited epilepsy with centrotemporal spikes. Last evaluated: 2017-01-01. Review status: no assertion criteria provided. Collection method: case-control. Allele origin: germline. Affected: yes. Study: EUROEPINOMICS COGIE. Not counted in ClinVar's aggregate classification.

Literature cited by the submitters: PubMed 29358611 (cited by Athena Diagnostics and Bioinformatics Core, Luxembourg Center for Systems Biomedicine).